The following is an entry in ClinVar:

ClinVar aggregate classification (germline): Uncertain significance. Review status: criteria provided, multiple submitters, no conflicts (2 of 4 stars). 3 submissions from 3 submitters: Uncertain significance (2). 1 of the submissions does not count toward it. Last evaluated 2024-12-17.

Conditions:
Inborn genetic diseases. Identifiers: MedGen C0950123, MeSH D030342.
Meckel-Gruber syndrome. Also called: Dysencephalia splachnocystica; DYSENCEPHALIA SPLANCHNOCYSTICA; GRUBER SYNDROME. Identifiers: Orphanet 564, MedGen C0265215, MONDO:0018921.
Nephronophthisis. Also called: Juvenile Nephronophthisis. Identifiers: Orphanet 655, MedGen C0687120, MONDO:0019005, HP:0000090.
Joubert syndrome. Also called: Familial aplasia of the vermis; CEREBELLOPARENCHYMAL DISORDER IV; JOUBERT-BOLTSHAUSER SYNDROME. Identifiers: Orphanet 475, MedGen C5979921, MONDO:0018772.
Leber congenital amaurosis (LCA). Also called: Leber's amaurosis. Identifiers: Orphanet 65, MedGen C0339527, MeSH D057130, MONDO:0018998.

Allele frequency attached by ClinVar (database versions not stated): gnomAD exomes below 0.00001 and 0.00001; gnomAD 0.00001; TOPMed 0.00001.
gnomAD v4.1: 6 of 1,504,720 alleles (0.0004%); highest among the groups gnomAD compares: African/African-American, 0.0014%; no homozygotes.

Submissions (3):

Ambry Genetics
Classification: Uncertain significance for Inborn genetic diseases. Last evaluated: 2024-12-17. Review status: criteria provided, single submitter. Criteria: Ambry Variant Classification Scheme 2023. Collection method: clinical testing. Allele origin: germline.

Labcorp Genetics (formerly Invitae), Labcorp
Classification: Uncertain significance for Joubert syndrome; Meckel-Gruber syndrome; Nephronophthisis. Last evaluated: 2024-11-05. Review status: criteria provided, single submitter. Criteria: Invitae Variant Classification Sherloc (09022015). Collection method: clinical testing. Allele origin: germline.
Comment: This sequence change replaces lysine, which is basic and polar, with threonine, which is neutral and polar, at codon 1033 of the CEP290 protein (p.Lys1033Thr). This variant is present in population databases (no rsID available, gnomAD 0.001%). This variant has not been reported in the literature in individuals affected with CEP290-related conditions. ClinVar contains an entry for this variant (Variation ID: 953999). Invitae Evidence Modeling of protein sequence and biophysical properties (such as structural, functional, and spatial information, amino acid conservation, physicochemical variation, residue mobility, and thermodynamic stability) indicates that this missense variant is not expected to disrupt CEP290 protein function with a negative predictive value of 80%. In summary, the available evidence is currently insufficient to determine the role of this variant in disease. Therefore, it has been classified as a Variant of Uncertain Significance.

Natera, Inc.
Classification: Uncertain significance for Leber congenital amaurosis. Last evaluated: 2021-03-02. Review status: no assertion criteria provided. Collection method: clinical testing. Allele origin: germline. Not counted in ClinVar's aggregate classification.

NM_025114.4(CEP290):c.3098A>C (p.Lys1033Thr)

Gene: CEP290 (centrosomal protein 290; minus strand). Cytogenetic location: 12q21.32.
Variant type: single nucleotide variant.
Coding change: c.3098A>C on transcript NM_025114.4 (MANE Select); coding-DNA position 3098, A replaced by C.
Protein change: p.Lys1033Thr; replaces lysine 1033 with threonine.
Molecular consequence: missense variant.
Genome position (GRCh38, 1-based): chr12:88,096,893, T>G on the plus strand (A>C on the coding strand, the complement: CEP290 is on the minus strand). VCF-style: chr12-88096893-T-G. GRCh37 (hg19) VCF-style: chr12-88490670-T-G.
Other names: short protein forms K1033T.
Identifiers: ClinVar variation 953999 (VCV000953999.10), dbSNP rs1421960607, ClinGen allele CA386006813.
Genomic context (GRCh38, chr12:88,096,893, plus strand): 5'-AAATATTCATTATTAGATGTTAATCATTTTATATTATCAGAGTCATAAAACTTACCTAAT[T>G]TAGTTTCCTGTTCCCAGGCTTGTTCAATAGTGTGAAGTTTTTCCTTGGTAATCTCCAGTT-3'
Protein context (NP_079390.3, residues 1023-1043): TIEQAWEQET[Lys1033Thr]LGNESSMDKA